The following is an entry in ClinVar:

NM_001242896.3(DEPDC5):c.1607C>A (p.Pro536Gln)

Gene: DEPDC5 (DEP domain containing 5, GATOR1 subcomplex subunit; plus strand). Cytogenetic location: 22q12.3.
Variant type: single nucleotide variant.
Coding change: c.1607C>A on transcript NM_001242896.3 (MANE Select); coding-DNA position 1607, C replaced by A.
Protein change: p.Pro536Gln; replaces proline 536 with glutamine.
Molecular consequence: missense variant. On other transcripts: non-coding transcript variant (5).
Genome position (GRCh38, 1-based): chr22:31,815,153, C>A. VCF-style: chr22-31815153-C-A. GRCh37 (hg19) VCF-style: chr22-32211139-C-A.
Other names: c.1607C>A, p.Pro536Gln (NM_001007188.4, NM_001136029.4, NM_001242897.2 and 7 more transcripts); c.1523C>A, p.Pro508Gln (NM_001369901.1, NM_001369902.1); short protein forms P508Q, P536Q.
Identifiers: ClinVar variation 2698713 (VCV002698713.3), dbSNP rs2519253712, ClinGen allele CA411278435.

ClinVar aggregate classification (germline): Uncertain significance (1 of 4 stars; one submission).

Conditions:
Familial focal epilepsy with variable foci (FPEVF). Identifiers: Orphanet 98820, MedGen C1858477, MONDO:0020310.

Submission:

Labcorp Genetics (formerly Invitae), Labcorp
Classification: Uncertain significance for Familial focal epilepsy with variable foci. Last evaluated: 2023-11-27. Review status: criteria provided, single submitter. Criteria: Invitae Variant Classification Sherloc (09022015). Collection method: clinical testing. Allele origin: germline.
Comment: This sequence change replaces proline, which is neutral and non-polar, with glutamine, which is neutral and polar, at codon 536 of the DEPDC5 protein (p.Pro536Gln). This variant is not present in population databases (gnomAD no frequency). This variant has not been reported in the literature in individuals affected with DEPDC5-related conditions. Experimental studies and prediction algorithms are not available or were not evaluated, and the functional significance of this variant is currently unknown. In summary, the available evidence is currently insufficient to determine the role of this variant in disease. Therefore, it has been classified as a Variant of Uncertain Significance.